The following is an entry in ClinVar:

NM_080680.3(COL11A2):c.4294G>T (p.Gly1432Ter)

Gene: COL11A2 (collagen type XI alpha 2 chain; minus strand). Cytogenetic location: 6p21.32.
Variant type: single nucleotide variant.
Coding change: c.4294G>T on transcript NM_080680.3 (MANE Select); coding-DNA position 4294, G replaced by T.
Protein change: p.Gly1432Ter; replaces glycine 1432 with a stop codon.
Molecular consequence: nonsense.
Genome position (GRCh38, 1-based): chr6:33,166,764, C>A on the plus strand (G>T on the coding strand, the complement: COL11A2 is on the minus strand). VCF-style: chr6-33166764-C-A. GRCh37 (hg19) VCF-style: chr6-33134541-C-A.
Other names: c.3973G>T, p.Gly1325Ter (NM_080679.3); c.4036G>T, p.Gly1346Ter (NM_080681.3); short protein forms G1325*, G1346*, G1432*.
Identifiers: ClinVar variation 1687174 (VCV001687174.1), dbSNP rs1404134749, ClinGen allele CA363620542.

ClinVar aggregate classification (germline): Likely pathogenic (1 of 4 stars; one submission).

Conditions:
Autosomal recessive nonsyndromic hearing loss 53. Identifiers: Orphanet 90636, MedGen C1864746, MONDO:0012333, OMIM 609706.

Submission:

3billion
Classification: Likely pathogenic for Autosomal recessive nonsyndromic hearing loss 53. Last evaluated: 2022-05-22. Review status: criteria provided, single submitter. Criteria: ACMG Guidelines, 2015. Collection method: clinical testing. Allele origin: germline. Affected: yes. Observed: 1 heterozygote.
Comment: The variant is not observed in the gnomAD v2.1.1 dataset. Stop-gained (nonsense): predicted to result in a loss or disruption of normal protein function through nonsense-mediated decay (NMD) or protein truncation. Multiple pathogenic variants are reported downstream of the variant. Therefore, this variant is classified as likely pathogenic according to the recommendation of ACMG/AMP guideline.